The following is an entry in ClinVar:

ClinVar aggregate classification (germline): Uncertain significance (1 of 4 stars; one submission).

Conditions:
Early-infantile DEE. Also called: Early infantile epileptic encephalopathy; Ohtahara syndrome; Early infantile epileptic encephalopathy with suppression bursts. Identifiers: Orphanet 1934, MedGen C0393706, MONDO:0800491.

gnomAD v4.1: 4 of 1,614,036 alleles (0.00025%); highest among the groups gnomAD compares: Non-Finnish European, 0.00034%; no homozygotes.

Submission:

Labcorp Genetics (formerly Invitae), Labcorp
Classification: Uncertain significance for Early-infantile DEE. Last evaluated: 2024-04-10. Review status: criteria provided, single submitter. Criteria: Invitae Variant Classification Sherloc (09022015). Collection method: clinical testing. Allele origin: germline.
Comment: This sequence change replaces aspartic acid, which is acidic and polar, with alanine, which is neutral and non-polar, at codon 1347 of the SPTAN1 protein (p.Asp1347Ala). This variant is present in population databases (no rsID available, gnomAD 0.0009%). This variant has not been reported in the literature in individuals affected with SPTAN1-related conditions. Advanced modeling of protein sequence and biophysical properties (such as structural, functional, and spatial information, amino acid conservation, physicochemical variation, residue mobility, and thermodynamic stability) has been performed at Invitae for this missense variant, however the output from this modeling did not meet the statistical confidence thresholds required to predict the impact of this variant on SPTAN1 protein function. In summary, the available evidence is currently insufficient to determine the role of this variant in disease. Therefore, it has been classified as a Variant of Uncertain Significance.

NM_001130438.3(SPTAN1):c.4040A>C (p.Asp1347Ala)

Gene: SPTAN1 (spectrin alpha, non-erythrocytic 1; plus strand). Cytogenetic location: 9q34.11.
Variant type: single nucleotide variant.
Coding change: c.4040A>C on transcript NM_001130438.3 (MANE Select); coding-DNA position 4040, A replaced by C.
Protein change: p.Asp1347Ala; replaces aspartic acid 1347 with alanine.
Molecular consequence: missense variant.
Genome position (GRCh38, 1-based): chr9:128,605,471, A>C. VCF-style: chr9-128605471-A-C. GRCh37 (hg19) VCF-style: chr9-131367750-A-C.
Other names: c.4040A>C, p.Asp1347Ala (NM_001375310.1, NM_001375311.2, NM_001375313.1 and 2 more transcripts); c.4076A>C, p.Asp1359Ala (NM_001375312.2, NM_001375318.1); c.3980A>C, p.Asp1327Ala (NM_001375314.2, NM_001195532.2, NM_001363765.2); short protein forms D1327A, D1347A, D1359A.
Identifiers: ClinVar variation 3635914 (VCV003635914.2).
Genomic context (GRCh38, chr9:128,605,471, plus strand): 5'-GTGCAGATCAGCGCAAGGCAAAGTTGGGTGACTCCCACGACCTGCAGCGCTTCCTTAGCG[A>C]TTTCCGGTACGGAGCCATGTTCACTCAGACTTCTGGAACATAGAGCCTTCTTTGTAGGGG-3'
Protein context (NP_001123910.1, residues 1337-1357): DSHDLQRFLS[Asp1347Ala]FRDLMSWING